The following is an entry in ClinVar:

NM_133497.4(KCNV2):c.1063T>C (p.Phe355Leu)

Gene: KCNV2 (potassium voltage-gated channel modifier subfamily V member 2; plus strand). Cytogenetic location: 9p24.2.
Variant type: single nucleotide variant.
Coding change: c.1063T>C on transcript NM_133497.4 (MANE Select); coding-DNA position 1063, T replaced by C.
Protein change: p.Phe355Leu; replaces phenylalanine 355 with leucine.
Molecular consequence: missense variant.
Genome position (GRCh38, 1-based): chr9:2,718,802, T>C. VCF-style: chr9-2718802-T-C. GRCh37 (hg19) VCF-style: chr9-2718802-T-C.
Other names: short protein forms F355L.
Identifiers: ClinVar variation 366419 (VCV000366419.18), dbSNP rs75645675, ClinGen allele CA4965748.
Genomic context (GRCh38, chr9:2,718,802, plus strand): 5'-CTCAACCTGGTGGACCTGGTGGCCATCCTGCCGCTCTACCTTCAGCTGCTGCTCGAGTGC[T>C]TCACGGGCGAGGGCCACCAACGCGGCCAGACGGTGGGCAGCGTGGGTAAGGTGGGTCAGG-3'
Protein context (NP_598004.1, residues 345-365): PLYLQLLLEC[Phe355Leu]TGEGHQRGQT

ClinVar aggregate classification (germline): Benign/Likely benign. Review status: criteria provided, multiple submitters, no conflicts (2 of 4 stars). 4 submissions from 4 submitters: Benign (2); Likely benign (2). Last evaluated 2025-12-30.

Conditions:
KCNV2-related disorder. Also called: KCNV2-related condition.
Cone dystrophy with supernormal rod response (CDSRR). Also called: CONE DYSTROPHY WITH SUPERNORMAL ROD RESPONSES. Identifiers: Orphanet 209932, MedGen C1835897, MONDO:0012475, OMIM 610356.

Allele frequency attached by ClinVar (database versions not stated): TOPMed 0.00005; 1000 Genomes Project 30x 0.00125; 1000 Genomes Project 0.00160.

Submissions (4):

PreventionGenetics, part of Exact Sciences
Classification: Likely benign for KCNV2-related condition. Last evaluated: 2025-12-30. Review status: criteria provided, single submitter. Criteria: ACMG Guidelines, 2015. Collection method: clinical testing. Allele origin: germline.
Comment: This variant is classified as likely benign based on ACMG/AMP sequence variant interpretation guidelines (Richards et al. 2015 PMID: 25741868, with internal and published modifications).

Labcorp Genetics (formerly Invitae), Labcorp
Classification: Benign. Last evaluated: 2025-11-03. Review status: criteria provided, single submitter. Criteria: Invitae Variant Classification Sherloc (09022015). Collection method: clinical testing. Allele origin: germline.

Blueprint Genetics
Classification: Benign. Last evaluated: 2022-11-08. Review status: criteria provided, single submitter. Criteria: ACMG Guidelines, 2015. Collection method: clinical testing. Allele origin: germline.

Illumina Laboratory Services, Illumina
Classification: Likely benign for Cone dystrophy with supernormal rod response. Last evaluated: 2018-01-12. Review status: criteria provided, single submitter. Criteria: ICSL Variant Classification Criteria 13 December 2019. Collection method: clinical testing. Allele origin: germline.
Comment: This variant was observed in the ICSL laboratory as part of a predisposition screen in an ostensibly healthy population. It had not been previously curated by ICSL or reported in the Human Gene Mutation Database (HGMD: prior to June 1st, 2018), and was therefore a candidate for classification through an automated scoring system. Utilizing variant allele frequency, disease prevalence and penetrance estimates, and inheritance mode, an automated score was calculated to assess if this variant is too frequent to cause the disease. Based on the score and internal cut-off values, a variant classified as likely benign is not then subjected to further curation. The score for this variant resulted in a classification of likely benign for this disease.